The following is an entry in ClinVar:

ClinVar aggregate classification (germline): Uncertain significance (1 of 4 stars; one submission).

Conditions:
Seizures, benign familial infantile, 3 (BFIS3). Also called: Familial neonatal seizures; CONVULSIONS, BENIGN FAMILIAL INFANTILE, 3. Identifiers: Orphanet 140927, Orphanet 306, MedGen C1843140, MONDO:0011904, OMIM 607745.

Submission:

MGZ Medical Genetics Center
Classification: Uncertain significance for Seizures, benign familial infantile, 3. Last evaluated: 2021-12-17. Review status: criteria provided, single submitter. Criteria: ACMG Guidelines, 2015. Collection method: clinical testing. Allele origin: germline. Affected: yes. Observed: 1 variant allele.
Comment: ACMG criteria applied: PM2_SUP, PP3

NM_001040142.2(SCN2A):c.3065G>C (p.Arg1022Pro)

Gene: SCN2A (sodium voltage-gated channel alpha subunit 2; plus strand). Cytogenetic location: 2q24.3.
Variant type: single nucleotide variant.
Coding change: c.3065G>C on transcript NM_001040142.2 (MANE Select); coding-DNA position 3065, G replaced by C.
Protein change: p.Arg1022Pro; replaces arginine 1022 with proline.
Molecular consequence: missense variant.
Genome position (GRCh38, 1-based): chr2:165,354,337, G>C. VCF-style: chr2-165354337-G-C. GRCh37 (hg19) VCF-style: chr2-166210847-G-C.
Other names: c.3065G>C, p.Arg1022Pro (NM_001040143.2, NM_001371246.1, NM_001371247.1 and 1 more transcripts); short protein forms R1022P.
Identifiers: ClinVar variation 1709071 (VCV001709071.2), dbSNP rs376774884, ClinGen allele CA349019999.